The following is an entry in ClinVar:

NM_005612.5(REST):c.1582C>T (p.His528Tyr)

Gene: REST (RE1 silencing transcription factor; plus strand). Cytogenetic location: 4q12.
Variant type: single nucleotide variant.
Coding change: c.1582C>T on transcript NM_005612.5 (MANE Select); coding-DNA position 1582, C replaced by T.
Protein change: p.His528Tyr; replaces histidine 528 with tyrosine.
Molecular consequence: missense variant.
Genome position (GRCh38, 1-based): chr4:56,930,440, C>T. VCF-style: chr4-56930440-C-T. GRCh37 (hg19) VCF-style: chr4-57796606-C-T.
Other names: c.1582C>T, p.His528Tyr (NM_001193508.2, NM_001363453.3); short protein forms H528Y.
Identifiers: ClinVar variation 943378 (VCV000943378.9), dbSNP rs1720906927, ClinGen allele CA357006949.
Genomic context (GRCh38, chr4:56,930,440, plus strand): 5'-AGCAATTCAGAAAAATTCAGTAAAACTAAGAAAAGCAAAAGGAAGCTGGAAGTTGACAGC[C>T]ATTCTTTACATGGTCCTGTGAATGATGAGGAATCTTCAACAAAAAAGAAAAAGAAGGTAG-3'
Protein context (NP_005603.3, residues 518-538): KSKRKLEVDS[His528Tyr]SLHGPVNDEE

ClinVar aggregate classification (germline): Uncertain significance (1 of 4 stars; one submission).

Submission:

Labcorp Genetics (formerly Invitae), Labcorp
Classification: Uncertain significance. Last evaluated: 2020-09-02. Review status: criteria provided, single submitter. Criteria: Invitae Variant Classification Sherloc (09022015). Collection method: clinical testing. Allele origin: germline.
Comment: This sequence change replaces histidine with tyrosine at codon 528 of the REST protein (p.His528Tyr). The histidine residue is highly conserved and there is a moderate physicochemical difference between histidine and tyrosine. This variant is not present in population databases (ExAC no frequency). In summary, the available evidence is currently insufficient to determine the role of this variant in disease. Therefore, it has been classified as a Variant of Uncertain Significance. Algorithms developed to predict the effect of missense changes on protein structure and function are either unavailable or do not agree on the potential impact of this missense change (SIFT: "Deleterious"; PolyPhen-2: "Benign"; Align-GVGD: "Class C0"). This variant has not been reported in the literature in individuals with REST-related conditions.